The following is an entry in ClinVar:

ClinVar aggregate classification (germline): Uncertain significance (1 of 4 stars; one submission).

Submission:

GeneDx
Classification: Uncertain significance. Last evaluated: 2024-01-16. Review status: criteria provided, single submitter. Criteria: GeneDx Variant Classification Process June 2021. Collection method: clinical testing. Allele origin: germline. Affected: yes.
Comment: Not observed at significant frequency in large population cohorts (gnomAD); In silico analysis supports that this missense variant does not alter protein structure/function; Has not been previously published as pathogenic or benign to our knowledge

NM_015311.3(OBSL1):c.4180C>A (p.Arg1394Ser)

Gene: OBSL1 (obscurin like cytoskeletal adaptor 1; minus strand). Cytogenetic location: 2q35.
Variant type: single nucleotide variant.
Coding change: c.4180C>A on transcript NM_015311.3 (MANE Select); coding-DNA position 4180, C replaced by A.
Protein change: p.Arg1394Ser; replaces arginine 1394 with serine.
Molecular consequence: missense variant.
Genome position (GRCh38, 1-based): chr2:219,556,610, G>T on the plus strand (C>A on the coding strand, the complement: OBSL1 is on the minus strand). VCF-style: chr2-219556610-G-T. GRCh37 (hg19) VCF-style: chr2-220421332-G-T.
Other names: c.4180C>A, p.Arg1394Ser (NM_001173431.2); short protein forms R1394S.
Identifiers: ClinVar variation 3367793 (VCV003367793.1).